The following is an entry in ClinVar:

ClinVar aggregate classification (germline): Pathogenic (1 of 4 stars; one submission).

Submission:

CeGaT Center for Human Genetics Tuebingen
Classification: Pathogenic. Last evaluated: 2023-01-01. Review status: criteria provided, single submitter. Criteria: CeGaT Center For Human Genetics Tuebingen Variant Classification Criteria Version 2. Collection method: clinical testing. Allele origin: germline. Affected: yes. Observed: 1 variant allele.
Comment: NKX2-1: PVS1, PM2

NM_001079668.3(NKX2-1):c.463+1_463+10del

Genes: NKX2-1 (NK2 homeobox 1; minus strand), SFTA3 (surfactant associated 3; minus strand). Cytogenetic location: 14q13.3.
Variant type: Deletion.
Coding change: c.463+1_463+10del on transcript NM_001079668.3 (MANE Select); the canonical splice donor site of the intron after coding-DNA position 463 through 10 bases into the intron after coding-DNA position 463, 10 bases deleted (GTAAGTGAGG; older notation c.463+1_463+10delGTAAGTGAGG).
Molecular consequence: splice donor variant.
Genome position (GRCh38, 1-based): chr14:36,518,975-36,518,984, CCTCACTTAC deleted on the plus strand (GTAAGTGAGG on the coding strand, the reverse complement: NKX2-1 is on the minus strand). VCF-style (leftmost placement, unchanged base first): chr14-36518974-GCCTCACTTAC-G. GRCh37 (hg19) VCF-style: chr14-36988179-GCCTCACTTAC-G.
Other names: c.373+1_373+10del (NM_003317.4).
Identifiers: ClinVar variation 2498592 (VCV002498592.28), dbSNP rs2502634404, ClinGen allele CA2580088224.